The following is an entry in ClinVar:

ClinVar aggregate classification (germline): Pathogenic (1 of 4 stars; one submission).

Submission:

Labcorp Genetics (formerly Invitae), Labcorp
Classification: Pathogenic. Last evaluated: 2025-06-23. Review status: criteria provided, single submitter. Criteria: Invitae Variant Classification Sherloc (09022015). Collection method: clinical testing. Allele origin: germline.
Comment: This sequence change creates a premature translational stop signal (p.Phe854Leufs*19) in the TET2 gene. It is expected to result in an absent or disrupted protein product. Loss-of-function variants in TET2 are known to be pathogenic (PMID: 36066697). This variant is not present in population databases (gnomAD no frequency). This variant has not been reported in the literature in individuals affected with TET2-related conditions. ClinVar contains an entry for this variant (Variation ID: 3698780). For these reasons, this variant has been classified as Pathogenic.

Literature cited by the submitters: PubMed 36066697.

NM_001127208.3(TET2):c.2562del (p.Phe854fs)

Genes: TET2 (tet methylcytosine dioxygenase 2; plus strand), TET2-AS1 (TET2 antisense RNA 1; minus strand). Cytogenetic location: 4q24.
Variant type: Deletion.
Coding change: c.2562del on transcript NM_001127208.3 (MANE Select); coding-DNA position 2562, one base deleted (T; older notation c.2562delT).
Protein change: p.Phe854fs; shifts the reading frame from phenylalanine 854.
Molecular consequence: frameshift variant.
Genome position (GRCh38, 1-based): chr4:105,236,504, T deleted; the last of 5 consecutive T bases (chr4:105,236,500-105,236,504); deleting any one gives the same sequence. VCF-style (leftmost placement, unchanged base first): chr4-105236499-CT-C. GRCh37 (hg19) VCF-style: chr4-106157656-CT-C.
Other names: c.2562del, p.Phe854fs (NM_017628.4); short protein forms F854fs.
Identifiers: ClinVar variation 3698780 (VCV003698780.2).